The following is an entry in ClinVar:

NM_000426.4(LAMA2):c.2542G>T (p.Ala848Ser)

Gene: LAMA2 (laminin subunit alpha 2; plus strand). Cytogenetic location: 6q22.33.
Variant type: single nucleotide variant.
Coding change: c.2542G>T on transcript NM_000426.4 (MANE Select); coding-DNA position 2542, G replaced by T.
Protein change: p.Ala848Ser; replaces alanine 848 with serine.
Molecular consequence: missense variant.
Genome position (GRCh38, 1-based): chr6:129,287,851, G>T. VCF-style: chr6-129287851-G-T. GRCh37 (hg19) VCF-style: chr6-129608996-G-T.
Other names: c.2542G>T, p.Ala848Ser (NM_001079823.2); short protein forms A848S.
Identifiers: ClinVar variation 1352156 (VCV001352156.5), dbSNP rs2114420255, ClinGen allele CA365609705.

ClinVar aggregate classification (germline): Uncertain significance (1 of 4 stars; one submission).

Conditions:
LAMA2-related muscular dystrophy (LAMA2-RD). Also called: Laminin alpha 2-related dystrophy. Identifiers: MedGen C5679788, MONDO:0100228.

Submission:

Labcorp Genetics (formerly Invitae), Labcorp
Classification: Uncertain significance for LAMA2-related muscular dystrophy. Last evaluated: 2021-08-26. Review status: criteria provided, single submitter. Criteria: Invitae Variant Classification Sherloc (09022015). Collection method: clinical testing. Allele origin: germline.
Comment: This sequence change replaces alanine with serine at codon 848 of the LAMA2 protein (p.Ala848Ser). The alanine residue is weakly conserved and there is a moderate physicochemical difference between alanine and serine. This variant is not present in population databases (ExAC no frequency). This variant has not been reported in the literature in individuals affected with LAMA2-related conditions. Advanced modeling of protein sequence and biophysical properties (such as structural, functional, and spatial information, amino acid conservation, physicochemical variation, residue mobility, and thermodynamic stability) performed at Invitae indicates that this missense variant is not expected to disrupt LAMA2 protein function. In summary, the available evidence is currently insufficient to determine the role of this variant in disease. Therefore, it has been classified as a Variant of Uncertain Significance.